The following is an entry in ClinVar:

ClinVar aggregate classification (germline): Uncertain significance (1 of 4 stars; one submission).

Allele frequency attached by ClinVar (database versions not stated): gnomAD exomes 0.00001; TOPMed 0.00008; gnomAD 0.00009 and 0.00010.
gnomAD v4.1: 19 of 1,544,480 alleles (0.0012%); highest among the groups gnomAD compares: African/African-American, 0.023%; no homozygotes.

Submission:

Labcorp Genetics (formerly Invitae), Labcorp
Classification: Uncertain significance. Last evaluated: 2022-10-13. Review status: criteria provided, single submitter. Criteria: Invitae Variant Classification Sherloc (09022015). Collection method: clinical testing. Allele origin: germline.
Comment: This sequence change falls in intron 8 of the TSEN54 gene. It does not directly change the encoded amino acid sequence of the TSEN54 protein. It affects a nucleotide within the consensus splice site. This variant is present in population databases (no rsID available, gnomAD 0.03%). This variant has not been reported in the literature in individuals affected with TSEN54-related conditions. ClinVar contains an entry for this variant (Variation ID: 1441739). Variants that disrupt the consensus splice site are a relatively common cause of aberrant splicing (PMID: 17576681, 9536098). Algorithms developed to predict the effect of sequence changes on RNA splicing suggest that this variant is not likely to affect RNA splicing. In summary, the available evidence is currently insufficient to determine the role of this variant in disease. Therefore, it has been classified as a Variant of Uncertain Significance.

Literature cited by the submitters: PubMed 17576681; PubMed 9536098.

NM_207346.3(TSEN54):c.1252+6C>T

Gene: TSEN54 (tRNA splicing endonuclease subunit 54; plus strand). Cytogenetic location: 17q25.1.
Variant type: single nucleotide variant.
Coding change: c.1252+6C>T on transcript NM_207346.3 (MANE Select); 6 bases into the intron after coding-DNA position 1252, C replaced by T.
Molecular consequence: intron variant.
Genome position (GRCh38, 1-based): chr17:75,522,339, C>T. VCF-style: chr17-75522339-C-T. GRCh37 (hg19) VCF-style: chr17-73518420-C-T.
Identifiers: ClinVar variation 1441739 (VCV001441739.3), dbSNP rs977124000, ClinGen allele CA294079757.